The following is an entry in ClinVar:

ClinVar aggregate classification (germline): Uncertain significance. Review status: criteria provided, multiple submitters, no conflicts (2 of 4 stars). 2 submissions from 2 submitters: Uncertain significance (2). Last evaluated 2025-08-30.

Conditions:
Arrhythmogenic right ventricular dysplasia 13. Also called: Arrhythmogenic right ventricular dysplasia, familial, 13; ARRHYTHMOGENIC RIGHT VENTRICULAR CARDIOMYOPATHY 13. Identifiers: MedGen C3810138, MONDO:0000908, OMIM 615616.

Allele frequency attached by ClinVar (database versions not stated): ExAC 0.00001; gnomAD 0.00001; TOPMed 0.00002.
gnomAD v4.1: 11 of 1,614,048 alleles (0.00068%); highest among the groups gnomAD compares: Admixed American, 0.018%; no homozygotes.

Submissions (2):

Labcorp Genetics (formerly Invitae), Labcorp
Classification: Uncertain significance for Arrhythmogenic right ventricular dysplasia 13. Last evaluated: 2025-08-30. Review status: criteria provided, single submitter. Criteria: Invitae Variant Classification Sherloc (09022015). Collection method: clinical testing. Allele origin: germline.
Comment: This sequence change replaces isoleucine, which is neutral and non-polar, with phenylalanine, which is neutral and non-polar, at codon 859 of the CTNNA3 protein (p.Ile859Phe). This variant is present in population databases (rs766896063, gnomAD 0.02%). This variant has not been reported in the literature in individuals affected with CTNNA3-related conditions. ClinVar contains an entry for this variant (Variation ID: 842502). Invitae Evidence Modeling of protein sequence and biophysical properties (such as structural, functional, and spatial information, amino acid conservation, physicochemical variation, residue mobility, and thermodynamic stability) indicates that this missense variant is not expected to disrupt CTNNA3 protein function with a negative predictive value of 80%. In summary, the available evidence is currently insufficient to determine the role of this variant in disease. Therefore, it has been classified as a Variant of Uncertain Significance.

Ambry Genetics
Classification: Uncertain significance. Last evaluated: 2024-09-20. Review status: criteria provided, single submitter. Criteria: Ambry Variant Classification Scheme 2023. Collection method: clinical testing. Allele origin: germline.
Comment: The p.I859F variant (also known as c.2575A>T), located in coding exon 17 of the CTNNA3 gene, results from an A to T substitution at nucleotide position 2575. The isoleucine at codon 859 is replaced by phenylalanine, an amino acid with highly similar properties. This amino acid position is conserved. In addition, this alteration is predicted to be tolerated by in silico analysis. Based on the available evidence, the clinical significance of this variant remains unclear.

NM_013266.4(CTNNA3):c.2575A>T (p.Ile859Phe)

Gene: CTNNA3 (catenin alpha 3; minus strand). Cytogenetic location: 10q21.3.
Variant type: single nucleotide variant.
Coding change: c.2575A>T on transcript NM_013266.4 (MANE Select); coding-DNA position 2575, A replaced by T.
Protein change: p.Ile859Phe; replaces isoleucine 859 with phenylalanine.
Molecular consequence: missense variant.
Genome position (GRCh38, 1-based): chr10:65,920,443, T>A on the plus strand (A>T on the coding strand, the complement: CTNNA3 is on the minus strand). VCF-style: chr10-65920443-T-A. GRCh37 (hg19) VCF-style: chr10-67680201-T-A.
Other names: c.2575A>T, p.Ile859Phe (NM_001127384.3); c.2575A>T (NM_013266.2); short protein forms I859F.
Identifiers: ClinVar variation 842502 (VCV000842502.10), dbSNP rs766896063, ClinGen allele CA5519547.